The following is an entry in ClinVar:

NM_032861.4(SERAC1):c.1134C>T (p.Gly378=)

Gene: SERAC1 (serine active site containing 1; minus strand). Cytogenetic location: 6q25.3.
Variant type: single nucleotide variant.
Coding change: c.1134C>T on transcript NM_032861.4 (MANE Select); coding-DNA position 1134, C replaced by T.
Protein change: p.Gly378=; no amino-acid change (glycine 378 retained).
Molecular consequence: synonymous variant. On other transcripts: non-coding transcript variant (1).
Genome position (GRCh38, 1-based): chr6:158,120,457, G>A on the plus strand (C>T on the coding strand, the complement: SERAC1 is on the minus strand). VCF-style: chr6-158120457-G-A. GRCh37 (hg19) VCF-style: chr6-158541489-G-A.
Other names: p.Gly378=.
Identifiers: ClinVar variation 379677 (VCV000379677.39), dbSNP rs116763934, ClinGen allele CA4071189.
Genomic context (GRCh38, chr6:158,120,457, plus strand): 5'-ACAAAGCAACTCTCTTCTGCTTCCTTACCTTGTTCGATATTGGGGATGCAGCACATATAC[G>A]CCATCCTGATATTTTTCTTGCACAGTTTCTCGGTCTAGATTTGCCAGGATTCTGGCAGCG-3'
Protein context (NP_116250.3, residues 368-388): RETVQEKYQD[Gly378=]VYVLHPQYRT

ClinVar aggregate classification (germline): Benign/Likely benign. Review status: criteria provided, multiple submitters, no conflicts (2 of 4 stars). 6 submissions from 6 submitters: Benign (4); Likely benign (2). Last evaluated 2025-12-20.

Conditions:
3-methylglutaconic aciduria with deafness, encephalopathy, and Leigh-like syndrome (MEGDEL). Also called: MEGDEL syndrome; SERAC1 Deficiency; 3-METHYLGLUTACONIC ACIDURIA, TYPE VI. Identifiers: Orphanet 352328, MedGen C4040739, MONDO:0013875, OMIM 614739.

Allele frequency attached by ClinVar (database versions not stated): TOPMed 0.00449; ESP Exome Variant Server 0.00538; 1000 Genomes Project 30x 0.00562; 1000 Genomes Project 0.00599; gnomAD exomes 0.00043 and 0.00112; ExAC 0.00145; gnomAD 0.00403 and 0.00417.
gnomAD v4.1: 1,262 of 1,613,412 alleles (0.078%); highest among the groups gnomAD compares: African/African-American, 1.4%; 7 homozygotes.

Submissions (7):

Labcorp Genetics (formerly Invitae), Labcorp
Classification: Benign for 3-methylglutaconic aciduria with deafness, encephalopathy, and Leigh-like syndrome. Last evaluated: 2025-12-20. Review status: criteria provided, single submitter. Criteria: Invitae Variant Classification Sherloc (09022015). Collection method: clinical testing. Allele origin: germline.

CeGaT Center for Human Genetics Tuebingen
Classification: Likely benign. Last evaluated: 2025-12-01. Review status: criteria provided, single submitter. Criteria: CeGaT Center For Human Genetics Tuebingen Variant Classification Criteria Version 2. Collection method: clinical testing. Allele origin: germline. Affected: yes. Observed: 2 variant alleles.
Comment: SERAC1: BP4, BP7, BS1

Genome-Nilou Lab
Classification: Benign for 3-methylglutaconic aciduria with deafness, encephalopathy, and Leigh-like syndrome. Last evaluated: 2022-03-15. Review status: criteria provided, single submitter. Criteria: ACMG Guidelines, 2015. Collection method: clinical testing. Allele origin: germline. Affected: no.

Fulgent Genetics
Classification: Likely benign for 3-methylglutaconic aciduria with deafness, encephalopathy, and Leigh-like syndrome. Last evaluated: 2021-10-08. Review status: criteria provided, single submitter. Criteria: ACMG Guidelines, 2015. Collection method: clinical testing. Allele origin: unknown.

Mayo Clinic Laboratories, Mayo Clinic
Classification: Benign. Last evaluated: 2021-01-07. Review status: criteria provided, single submitter. Criteria: ACMG Guidelines, 2015. Collection method: clinical testing. Allele origin: germline. Observed: 5 variant alleles.

GeneDx
Classification: Benign. Last evaluated: 2015-06-09. Review status: criteria provided, single submitter. Criteria: GeneDx Variant Classification (06012015). Collection method: clinical testing. Allele origin: germline. Affected: yes.
Comment: This variant is considered likely benign or benign based on one or more of the following criteria: it is a conservative change, it occurs at a poorly conserved position in the protein, it is predicted to be benign by multiple in silico algorithms, and/or has population frequency not consistent with disease.

Dr. Peter K. Rogan Lab, Western University
No classification provided (evidence only). Condition: Uterine corpus endometrial carcinoma. Review status: no classification provided. Collection method: in vitro. Allele origin: not applicable. Functional consequence: retained intron. Not counted in ClinVar's aggregate classification.